The following is an entry in ClinVar:

ClinVar aggregate classification (germline): Uncertain significance (1 of 4 stars; one submission).

Conditions:
TUB-related disorder. Also called: TUB-related condition.

gnomAD v4.1: 4 of 1,614,018 alleles (0.00025%); highest among the groups gnomAD compares: Admixed American, 0.0067%; no homozygotes.

Submission:

PreventionGenetics, part of Exact Sciences
Classification: Uncertain significance for TUB-related condition. Last evaluated: 2026-09-22. Review status: criteria provided, single submitter. Criteria: ACMG Guidelines, 2015. Collection method: clinical testing. Allele origin: germline.
Comment: The TUB c.802C>A variant is predicted to result in the amino acid substitution p.Leu268Ile. To our knowledge, this variant has not been reported in the literature. This variant is reported in 0.0087% of alleles in individuals of Latino descent in gnomAD. At this time, the clinical significance of this variant is uncertain due to the absence of conclusive functional and genetic evidence.

NM_177972.3(TUB):c.637C>A (p.Leu213Ile)

Genes: RIC3 (RIC3 acetylcholine receptor chaperone; minus strand), TUB (TUB bipartite transcription factor; plus strand). Cytogenetic location: 11p15.4.
Variant type: single nucleotide variant.
Coding change: c.637C>A on transcript NM_177972.3 (MANE Select); coding-DNA position 637, C replaced by A.
Protein change: p.Leu213Ile; replaces leucine 213 with isoleucine.
Molecular consequence: missense variant.
Genome position (GRCh38, 1-based): chr11:8,096,756, C>A. VCF-style: chr11-8096756-C-A. GRCh37 (hg19) VCF-style: chr11-8118303-C-A.
Other names: c.655C>A, p.Leu219Ile (NM_001440538.1, NM_001440539.1); c.487C>A, p.Leu163Ile (NM_001440540.1, NM_001440542.1); c.469C>A, p.Leu157Ile (NM_001440541.1); c.802C>A, p.Leu268Ile (NM_003320.5); short protein forms L163I, L213I, L219I, L268I, L157I.
Identifiers: ClinVar variation 4982570 (VCV004982570.1).